The following is an entry in ClinVar:

NM_004463.3(FGD1):c.2771C>T (p.Thr924Met)

Genes: FGD1 (FYVE, RhoGEF and PH domain containing 1; minus strand), TSR2 (TSR2 ribosome maturation factor; plus strand). Cytogenetic location: Xp11.22.
Variant type: single nucleotide variant.
Coding change: c.2771C>T on transcript NM_004463.3 (MANE Select); coding-DNA position 2771, C replaced by T.
Protein change: p.Thr924Met; replaces threonine 924 with methionine.
Molecular consequence: missense variant. On other transcripts: 3 prime UTR variant (5).
Genome position (GRCh38, 1-based): chrX:54,446,224, G>A on the plus strand (C>T on the coding strand, the complement: FGD1 is on the minus strand). VCF-style: chrX-54446224-G-A. GRCh37 (hg19) VCF-style: chrX-54472657-G-A.
Other names: c.*1674G>A (NM_001346789.2, NM_001346790.2, NM_001346791.2 and 2 more transcripts); short protein forms T924M.
Identifiers: ClinVar variation 1314510 (VCV001314510.2), dbSNP rs1247164376, ClinGen allele CA413357918.

ClinVar aggregate classification (germline): Uncertain significance (1 of 4 stars; one submission).

Allele frequency attached by ClinVar (database versions not stated): gnomAD exomes below 0.00001; TOPMed below 0.00001; gnomAD 0.00001.
gnomAD v4.1: 4 of 1,210,433 alleles (0.00033%); highest among the groups gnomAD compares: Non-Finnish European, 0.00034%; no homozygotes.

Submission:

GeneDx
Classification: Uncertain significance. Last evaluated: 2021-04-08. Review status: criteria provided, single submitter. Criteria: GeneDx Variant Classification Process June 2021. Collection method: clinical testing. Allele origin: germline. Affected: yes.
Comment: Not observed in large population cohorts (Lek et al., 2016); In silico analysis supports that this missense variant has a deleterious effect on protein structure/function; Has not been previously published as pathogenic or benign to our knowledge